The following is an entry in ClinVar:

ClinVar aggregate classification (germline): Uncertain significance (1 of 4 stars; one submission).

Conditions:
BRCA1-related disorder. Also called: BRCA1-related condition.

Allele frequency attached by ClinVar (database versions not stated): gnomAD exomes below 0.00001; gnomAD 0.00001; TOPMed 0.00001.
gnomAD v4.1: 2 of 1,597,236 alleles (0.00013%); highest among the groups gnomAD compares: African/African-American, 0.0027%; no homozygotes.

Submission:

PreventionGenetics, part of Exact Sciences
Classification: Uncertain significance for BRCA1-related condition. Last evaluated: 2022-11-04. Review status: criteria provided, single submitter. Criteria: ACMG Guidelines, 2015. Collection method: clinical testing. Allele origin: germline.
Comment: The BRCA1 c.4388C>G variant is predicted to result in the amino acid substitution p.Ser1463Cys. To our knowledge, this variant has not been reported in the literature. This variant is reported in 0.0072% of alleles in individuals of African descent in gnomAD. Of note, this variant is found in an alternatively spliced exon and affects the intron when annotated using the NM_007294.3 transcript (c.4358-2755C>G). Although we suspect that this variant may be benign, at this time, the clinical significance of this variant is uncertain due to the absence of conclusive functional and genetic evidence.

NM_007294.4(BRCA1):c.4358-2755C>G

Gene: BRCA1 (BRCA1 DNA repair associated; minus strand). Cytogenetic location: 17q21.31.
Variant type: single nucleotide variant.
Coding change: c.4358-2755C>G on transcript NM_007294.4 (MANE Select); 2755 bases into the intron before coding-DNA position 4358, C replaced by G.
Molecular consequence: intron variant. On other transcripts: missense variant (17).
Genome position (GRCh38, 1-based): chr17:43,079,369, G>C on the plus strand (C>G on the coding strand, the complement: BRCA1 is on the minus strand). VCF-style: chr17-43079369-G-C. GRCh37 (hg19) VCF-style: chr17-41231386-G-C.
Other names: c.4217-2755C>G (NM_001407694.1, NM_001407696.1, NM_001407725.1 and 13 more transcripts); c.905-2755C>G (NM_001408465.1, NM_001408463.1, NM_001408462.1 and 3 more transcripts); c.839-2758C>G (NM_001408482.1, NM_001408484.1, NM_001408485.1 and 2 more transcripts); c.4094-2755C>G (NM_001407920.1, NM_001407923.1, NM_001407922.1 and 4 more transcripts); c.4214-2755C>G (NM_001407751.1, NM_001407740.1, NM_001407741.1 and 11 more transcripts); c.4022-2755C>G (NM_001407954.1, NM_001407952.1, NM_001407953.1 and 1 more transcripts); c.782-2755C>G (NM_001408504.1, NM_001408503.1); c.4211-2755C>G (NM_001407847.1, NM_001407848.1, NM_001407849.1); and 98 more; short protein forms S1392C, S1421C, S1422C, S1462C, S1463C, S249C, S313C, S334C.
Identifiers: ClinVar variation 2635525 (VCV002635525.1), dbSNP rs1014956762, ClinGen allele CA10592919.